The following is an entry in ClinVar:

NM_021096.4(CACNA1I):c.560A>C (p.Lys187Thr)

Gene: CACNA1I (calcium voltage-gated channel subunit alpha1 I; plus strand). Cytogenetic location: 22q13.1.
Variant type: single nucleotide variant.
Coding change: c.560A>C on transcript NM_021096.4 (MANE Select); coding-DNA position 560, A replaced by C.
Protein change: p.Lys187Thr; replaces lysine 187 with threonine.
Molecular consequence: missense variant.
Genome position (GRCh38, 1-based): chr22:39,619,387, A>C. VCF-style: chr22-39619387-A-C. GRCh37 (hg19) VCF-style: chr22-40015392-A-C.
Other names: c.560A>C, p.Lys187Thr (NM_001003406.2); short protein forms K187T.
Identifiers: ClinVar variation 4795693 (VCV004795693.1).
Genomic context (GRCh38, chr22:39,619,387, plus strand): 5'-TGGACCTTCAGAACATCAACCTGTCAGCCATCCGCACCGTGCGCGTCCTGAGGCCCCTCA[A>C]AGCCATCAACCGCGTGCCCAGTGAGTCAGCCCCGCCCTGTCCACACATTCCTGGCTGATC-3'
Protein context (NP_066919.2, residues 177-197): IRTVRVLRPL[Lys187Thr]AINRVPSMRI

ClinVar aggregate classification (germline): Uncertain significance (1 of 4 stars; one submission).

gnomAD v4.1: 1 of 1,608,736 alleles (0.000062%); highest among the groups gnomAD compares: African/African-American, 0.0013%; no homozygotes.

Submission:

GeneDx
Classification: Uncertain significance. Last evaluated: 2025-08-12. Review status: criteria provided, single submitter. Criteria: GeneDx Variant Classification Process June 2021. Collection method: clinical testing. Allele origin: germline. Affected: yes.
Comment: Not observed at significant frequency in large population cohorts (gnomAD); In silico analysis supports that this missense variant has a deleterious effect on protein structure/function; Has not been previously published as pathogenic or benign to our knowledge